The following is an entry in ClinVar:

ClinVar aggregate classification (germline): Uncertain significance (1 of 4 stars; one submission).

Conditions:
MC4R-related disorder. Also called: MC4R-related condition.

gnomAD v4.1: 2 of 1,614,036 alleles (0.00012%); highest among the groups gnomAD compares: East Asian, 0.0022%; no homozygotes.

Submission:

PreventionGenetics, part of Exact Sciences
Classification: Uncertain significance for MC4R-related condition. Last evaluated: 2025-05-23. Review status: criteria provided, single submitter. Criteria: ACMG Guidelines, 2015. Collection method: clinical testing. Allele origin: germline.
Comment: The MC4R c.536T>C variant is predicted to result in the amino acid substitution p.Val179Ala. To our knowledge, this variant has not been reported in the literature. This variant is reported in 0.0054% of alleles in individuals of East Asian descent in gnomAD. At this time, the clinical significance of this variant is uncertain due to the absence of conclusive functional and genetic evidence.

NM_005912.3(MC4R):c.536T>C (p.Val179Ala)

Gene: MC4R (melanocortin 4 receptor; minus strand). Cytogenetic location: 18q21.32.
Variant type: single nucleotide variant.
Coding change: c.536T>C on transcript NM_005912.3 (MANE Select); coding-DNA position 536, T replaced by C.
Protein change: p.Val179Ala; replaces valine 179 with alanine.
Molecular consequence: missense variant.
Genome position (GRCh38, 1-based): chr18:60,371,814, A>G on the plus strand (T>C on the coding strand, the complement: MC4R is on the minus strand). VCF-style: chr18-60371814-A-G. GRCh37 (hg19) VCF-style: chr18-58039047-A-G.
Other names: short protein forms V179A.
Identifiers: ClinVar variation 4997946 (VCV004997946.1).